The following is an entry in ClinVar:

NM_003356.4(UCP3):c.600C>T (p.Tyr200=)

Genes: UCP3 (uncoupling protein 3; minus strand), LOC126861261 (MED14-independent group 3 enhancer GRCh37_chr11:73715060-73716259; plus strand). Cytogenetic location: 11q13.4.
Variant type: single nucleotide variant.
Coding change: c.600C>T on transcript NM_003356.4 (MANE Select); coding-DNA position 600, C replaced by T.
Protein change: p.Tyr200=; no amino-acid change (tyrosine 200 retained).
Molecular consequence: synonymous variant.
Genome position (GRCh38, 1-based): chr11:74,004,527, G>A on the plus strand (C>T on the coding strand, the complement: UCP3 is on the minus strand). VCF-style: chr11-74004527-G-A. GRCh37 (hg19) VCF-style: chr11-73715572-G-A.
Other names: c.600C>T, p.Tyr200= (NM_022803.3).
Identifiers: ClinVar variation 3059362 (VCV003059362.2), dbSNP rs765857744, ClinGen allele CA6181428.

ClinVar aggregate classification (germline): Likely benign (0 of 4 stars; one submission).

Conditions:
UCP3-related disorder. Also called: UCP3-related condition.

Allele frequency attached by ClinVar (database versions not stated): gnomAD 0.00001; gnomAD exomes 0.00001; ExAC 0.00002.
gnomAD v4.1: 17 of 1,613,982 alleles (0.0011%); highest among the groups gnomAD compares: East Asian, 0.0089%; no homozygotes.

Submission:

PreventionGenetics, part of Exact Sciences
Classification: Likely benign for UCP3-related condition. Last evaluated: 2021-11-12. Review status: no assertion criteria provided. Collection method: clinical testing. Allele origin: germline.
Comment: This variant is classified as likely benign based on ACMG/AMP sequence variant interpretation guidelines (Richards et al. 2015 PMID: 25741868, with internal and published modifications).